The following is an entry in ClinVar:

NM_001135651.3(EIF2AK2):c.421G>T (p.Glu141Ter)

Gene: EIF2AK2 (eukaryotic translation initiation factor 2 alpha kinase 2; minus strand). Cytogenetic location: 2p22.2.
Variant type: single nucleotide variant.
Coding change: c.421G>T on transcript NM_001135651.3 (MANE Select); coding-DNA position 421, G replaced by T.
Protein change: p.Glu141Ter; replaces glutamic acid 141 with a stop codon.
Molecular consequence: nonsense.
Genome position (GRCh38, 1-based): chr2:37,139,726, C>A on the plus strand (G>T on the coding strand, the complement: EIF2AK2 is on the minus strand). VCF-style: chr2-37139726-C-A. GRCh37 (hg19) VCF-style: chr2-37366869-C-A.
Other names: c.421G>T, p.Glu141Ter (NM_001135652.3, NM_002759.4); short protein forms E141*.
Identifiers: ClinVar variation 2011025 (VCV002011025.5), dbSNP rs2465341760, ClinGen allele CA346318582.
Genomic context (GRCh38, chr2:37,139,726, plus strand): 5'-CAAGTTTAGCGGCCAATTGTTTTGCTTCCTGTTTAGTAGAACCTGTACCAATACTATATT[C>A]TTTCTGTCCCATTTTGCATTTATAATGAAATCTAGGAGAAATCATAGAAGGTACTTATCC-3'

ClinVar aggregate classification (germline): Uncertain significance. Review status: criteria provided, multiple submitters, no conflicts (2 of 4 stars). 2 submissions from 2 submitters: Uncertain significance (2). Last evaluated 2026-08-06.

Conditions:
Leukoencephalopathy, developmental delay, and episodic neurologic regression syndrome. Also called: LEUDEN SYNDROME. Identifiers: MedGen C5394367, MONDO:0030035, OMIM 618877.

Submissions (2):

OLLIN Analises Genomicas, OLLIN
Classification: Uncertain significance for Leukoencephalopathy, developmental delay, and episodic neurologic regression syndrome. Last evaluated: 2026-08-06. Review status: criteria provided, single submitter. Criteria: ACMG Guidelines 2015 PMID 25741868. Collection method: clinical testing. Allele origin: germline.
Comment: This nonsense variant, located in exon 6 (of 17), is absent from gnomAD and has not been identified in the literature. However, it has been reported in ClinVar (accession VCV002011025.4). This variant introduces a premature stop codon, which is predicted to result in either a truncated protein or degradation of the mRNA via nonsense-mediated decay (NMD). According to the currently available evidence, this variant has been classified as uncertain significance (PM2_P).

Labcorp Genetics (formerly Invitae), Labcorp
Classification: Uncertain significance. Last evaluated: 2024-07-29. Review status: criteria provided, single submitter. Criteria: Invitae Variant Classification Sherloc (09022015). Collection method: clinical testing. Allele origin: germline.
Comment: This sequence change creates a premature translational stop signal (p.Glu141*) in the EIF2AK2 gene. It is expected to result in an absent or disrupted protein product. However, the current clinical and genetic evidence is not sufficient to establish whether loss-of-function variants in EIF2AK2 cause disease. This variant is not present in population databases (gnomAD no frequency). This variant has not been reported in the literature in individuals affected with EIF2AK2-related conditions. ClinVar contains an entry for this variant (Variation ID: 2011025). Algorithms developed to predict the effect of sequence changes on RNA splicing suggest that this variant may disrupt the consensus splice site. In summary, the available evidence is currently insufficient to determine the role of this variant in disease. Therefore, it has been classified as a Variant of Uncertain Significance.